The following is an entry in ClinVar:

ClinVar aggregate classification (germline): Uncertain significance. Review status: criteria provided, multiple submitters, no conflicts (2 of 4 stars). 5 submissions from 5 submitters: Uncertain significance (4). 1 of the submissions does not count toward it. Last evaluated 2024-03-20.

Conditions:
Alport syndrome 3b, autosomal recessive. Identifiers: MedGen C5882699, MONDO:0957811, OMIM 620536.
Hematuria, benign familial, 2 (BFH2). Identifiers: MedGen C5830421, MONDO:0958186, OMIM 620320.
Autosomal dominant Alport syndrome (ATS3A). Also called: ALPORT SYNDROME 3A, AUTOSOMAL DOMINANT; Alport syndrome dominant type; Renal failure and sensorineural hearing loss. Identifiers: Orphanet 63, Orphanet 88918, MedGen C5882663, MONDO:0007086, OMIM 104200.
Alport syndrome. Also called: Hemorrhagic familial nephritis; Hemorrhagic hereditary nephritis; Congenital hereditary hematuria. Identifiers: Orphanet 63, MedGen C1567741, MONDO:0018965.

Allele frequency attached by ClinVar (database versions not stated): ExAC 0.00001; TOPMed 0.00001; gnomAD 0.00003.
gnomAD v4.1: 25 of 1,611,980 alleles (0.0016%); highest among the groups gnomAD compares: African/African-American, 0.0067%; no homozygotes.

Submissions (5):

Fulgent Genetics
Classification: Uncertain significance for Autosomal dominant Alport syndrome; Hematuria, benign familial, 2; Alport syndrome 3b, autosomal recessive. Last evaluated: 2024-03-20. Review status: criteria provided, single submitter. Criteria: ACMG Guidelines, 2015. Collection method: clinical testing. Allele origin: germline.

Blueprint Genetics
Classification: Uncertain significance. Last evaluated: 2023-12-04. Review status: criteria provided, single submitter. Criteria: ACMG Guidelines, 2015. Collection method: clinical testing. Allele origin: germline.

Athena Diagnostics
Classification: Uncertain significance. Last evaluated: 2016-12-31. Review status: criteria provided, single submitter. Criteria: Athena Diagnostics Criteria. Collection method: clinical testing. Allele origin: germline.

Neuberg Centre For Genomic Medicine, NCGM
Classification: Uncertain significance for Autosomal dominant Alport syndrome. Review status: criteria provided, single submitter. Criteria: ACMG Guidelines, 2015. Collection method: clinical testing. Allele origin: germline. Inheritance: Autosomal dominant inheritance. Affected: yes.
Comment: The missense c.1127C>T (p.Pro376Leu) variant in COL4A3 gene has been submitted to ClinVar as a Variant of Uncertain Significance, but no details are available for independent assessment. It has not been reported in affected individuals. The variant is observed in 0.002% alleles in gnomAD Exomes and is novel (not in any individuals) in 1000 Genomes. The amino acid Pro at position 376 is changed to a Leu changing protein sequence and it might alter its composition and physico-chemical properties. The amino acid change p.Pro376Leu in COL4A3 is predicted as conserved by GERP++ and PhyloP across 100 vertebrates. For these reasons, this variant has been classified as Uncertain significance.

Natera, Inc.
Classification: Uncertain significance for Alport syndrome. Last evaluated: 2019-10-28. Review status: no assertion criteria provided. Collection method: clinical testing. Allele origin: germline. Not counted in ClinVar's aggregate classification.

NM_000091.5(COL4A3):c.1127C>T (p.Pro376Leu)

Genes: COL4A3 (collagen type IV alpha 3 chain; plus strand), MFF-DT (MFF divergent transcript; minus strand). Cytogenetic location: 2q36.3.
Variant type: single nucleotide variant.
Coding change: c.1127C>T on transcript NM_000091.5 (MANE Select); coding-DNA position 1127, C replaced by T.
Protein change: p.Pro376Leu; replaces proline 376 with leucine.
Molecular consequence: missense variant.
Genome position (GRCh38, 1-based): chr2:227,261,094, C>T. VCF-style: chr2-227261094-C-T. GRCh37 (hg19) VCF-style: chr2-228125810-C-T.
Other names: short protein forms P376L.
Identifiers: ClinVar variation 447164 (VCV000447164.4), dbSNP rs760049264, ClinGen allele CA2146559.